The following is an entry in ClinVar:

NM_000245.4(MET):c.3709G>A (p.Val1237Ile)

Gene: MET (MET proto-oncogene, receptor tyrosine kinase; plus strand). Cytogenetic location: 7q31.2.
Variant type: single nucleotide variant.
Coding change: c.3709G>A on transcript NM_000245.4 (MANE Select); coding-DNA position 3709, G replaced by A.
Protein change: p.Val1237Ile; replaces valine 1237 with isoleucine.
Molecular consequence: missense variant.
Genome position (GRCh38, 1-based): chr7:116,783,380, G>A. VCF-style: chr7-116783380-G-A. GRCh37 (hg19) VCF-style: chr7-116423434-G-A.
Other names: c.3763G>A, p.Val1255Ile (NM_001127500.3); c.2419G>A, p.Val807Ile (NM_001324402.2); short protein forms V807I, V1237I, V1255I.
Identifiers: ClinVar variation 1429189 (VCV001429189.9), dbSNP rs1031263507, ClinGen allele CA164910969.

ClinVar aggregate classification (germline): Uncertain significance. Review status: criteria provided, multiple submitters, no conflicts (2 of 4 stars). 2 submissions from 2 submitters: Uncertain significance (2). Last evaluated 2025-12-22.

Conditions:
Hereditary cancer-predisposing syndrome. Also called: Tumor predisposition; Hereditary neoplastic syndrome; Neoplastic Syndromes, Hereditary; Hereditary Cancer Syndrome. Identifiers: Orphanet 140162, MedGen C0027672, MeSH D009386, MONDO:0015356.
Renal cell carcinoma. Identifiers: Orphanet 217071, MedGen C0007134, MeSH D002292, MONDO:0005086, HP:0005584.

Allele frequency attached by ClinVar (database versions not stated): gnomAD exomes below 0.00001.
gnomAD v4.1: 3 of 1,614,110 alleles (0.00019%); highest among the groups gnomAD compares: Non-Finnish European, 0.00017%; no homozygotes.

Submissions (2):

Labcorp Genetics (formerly Invitae), Labcorp
Classification: Uncertain significance for Renal cell carcinoma. Last evaluated: 2025-12-22. Review status: criteria provided, single submitter. Criteria: Invitae Variant Classification Sherloc (09022015). Collection method: clinical testing. Allele origin: germline.
Comment: This sequence change replaces valine, which is neutral and non-polar, with isoleucine, which is neutral and non-polar, at codon 1255 of the MET protein (p.Val1255Ile). This variant is not present in population databases (gnomAD no frequency). This variant has not been reported in the literature in individuals affected with MET-related conditions. ClinVar contains an entry for this variant (Variation ID: 1429189). Invitae Evidence Modeling of protein sequence and biophysical properties (such as structural, functional, and spatial information, amino acid conservation, physicochemical variation, residue mobility, and thermodynamic stability) indicates that this missense variant is not expected to disrupt MET protein function with a negative predictive value of 80%. In summary, the available evidence is currently insufficient to determine the role of this variant in disease. Therefore, it has been classified as a Variant of Uncertain Significance.

Ambry Genetics
Classification: Uncertain significance for Hereditary cancer-predisposing syndrome. Last evaluated: 2025-11-16. Review status: criteria provided, single submitter. Criteria: Ambry Variant Classification Scheme 2023. Collection method: clinical testing. Allele origin: germline.
Comment: The p.V1255I variant (also known as c.3763G>A), located in coding exon 18 of the MET gene, results from a G to A substitution at nucleotide position 3763. The valine at codon 1255 is replaced by isoleucine, an amino acid with highly similar properties. This amino acid position is conserved. In addition, the in silico prediction for this alteration is inconclusive. Since supporting evidence is limited at this time, the clinical significance of this alteration remains unclear.